The following is an entry in ClinVar:

NM_000466.3(PEX1):c.3592_3593insTATAAGAGACAGT (p.Ala1198delinsValTer)

Genes: GATAD1 (GATA zinc finger domain containing 1; plus strand), PEX1 (peroxisomal biogenesis factor 1; minus strand). Cytogenetic location: 7q21.2.
Variant type: Insertion.
Coding change: c.3592_3593insTATAAGAGACAGT on transcript NM_000466.3 (MANE Select); coding-DNA positions 3592 to 3593, TATAAGAGACAGT inserted.
Protein change: p.Ala1198delinsValTer.
Molecular consequence: nonsense.
Genome position: GRCh38 VCF-style: chr7-92489757-G-GACTGTCTCTTATA. GRCh37 (hg19) VCF-style: chr7-92119071-G-GACTGTCTCTTATA.
Other names: c.3421_3422insTATAAGAGACAGT, p.Ala1141delinsValTer (NM_001282677.2); c.2968_2969insTATAAGAGACAGT, p.Ala990delinsValTer (NM_001282678.2).
Identifiers: ClinVar variation 5011599 (VCV005011599.1).

ClinVar aggregate classification (germline): Pathogenic (1 of 4 stars; one submission).

Conditions:
Peroxisome biogenesis disorder. Identifiers: Orphanet 79189, MedGen C1832200, MONDO:0019234. Disease mechanism: loss of function.

Submission:

Myriad Genetics, Inc.
Classification: Pathogenic for Peroxisome biogenesis disorder. Last evaluated: 2023-09-08. Review status: criteria provided, single submitter. Criteria: Myriad Autosomal Dominant, Autosomal Recessive and X-Linked Classification Criteria (2023). Collection method: clinical testing. Allele origin: unknown.
Comment: NM_000466.2(PEX1):c.3592_3593ins13(A1198Vfs*2) is expected to be pathogenic in the context of peroxisome biogenesis disorder type 1. This variant is predicted to lead to an abnormal or absent protein product due to the creation of a premature termination codon in PEX1, a gene where loss-of-function variants are known to be pathogenic. Please note: this variant was assessed in the context of healthy population screening.